The following is an entry in ClinVar:

ClinVar aggregate classification (germline): Likely pathogenic. Review status: criteria provided, single submitter (1 of 4 stars). 2 submissions from 2 submitters: Likely pathogenic (1). 1 of the submissions does not count toward it. Last evaluated 2017-08-11.

Conditions:
Meckel-Gruber syndrome. Also called: DYSENCEPHALIA SPLANCHNOCYSTICA; GRUBER SYNDROME; Dysencephalia splachnocystica. Identifiers: Orphanet 564, MedGen C0265215, MONDO:0018921.
Joubert syndrome. Also called: CEREBELLOPARENCHYMAL DISORDER IV; JOUBERT-BOLTSHAUSER SYNDROME; Familial aplasia of the vermis. Identifiers: Orphanet 475, MedGen C5979921, MONDO:0018772.
Nephronophthisis. Also called: Juvenile Nephronophthisis. Identifiers: Orphanet 655, MedGen C0687120, MONDO:0019005, HP:0000090.
Leber congenital amaurosis (LCA). Also called: Leber's amaurosis. Identifiers: Orphanet 65, MedGen C0339527, MeSH D057130, MONDO:0018998.

gnomAD v4.1: 1 of 1,598,204 alleles (0.000063%); highest among the groups gnomAD compares: South Asian, 0.0011%; no homozygotes.

Submissions (2):

Labcorp Genetics (formerly Invitae), Labcorp
Classification: Likely pathogenic for Joubert syndrome; Meckel-Gruber syndrome; Nephronophthisis. Last evaluated: 2017-08-11. Review status: criteria provided, single submitter. Criteria: Invitae Variant Classification Sherloc (09022015). Collection method: clinical testing. Allele origin: germline.
Comment: This sequence change affects an acceptor splice site in intron 15 of the CEP290 gene. It is expected to disrupt RNA splicing and likely results in an absent or disrupted protein product. This variant is not present in population databases (ExAC no frequency). This variant has not been reported in the literature in individuals with CEP290-related disease. Donor and acceptor splice site variants typically lead to a loss of protein function (PMID: 16199547), and loss-of-function variants in CEP290 are known to be pathogenic (PMID: 16909394, 17345604, 20690115). In summary, the currently available evidence indicates that the variant is pathogenic, but additional data are needed to prove that conclusively. Therefore, this variant has been classified as Likely Pathogenic.

Natera, Inc.
Classification: Likely pathogenic for Leber congenital amaurosis. Last evaluated: 2020-08-20. Review status: no assertion criteria provided. Collection method: clinical testing. Allele origin: germline. Not counted in ClinVar's aggregate classification.

Literature cited by the submitters: PubMed 17345604 (cited by Labcorp Genetics (formerly Invitae), Labcorp); PubMed 20690115 (cited by Labcorp Genetics (formerly Invitae), Labcorp); PubMed 16909394 (cited by Labcorp Genetics (formerly Invitae), Labcorp).

NM_025114.4(CEP290):c.1523-1G>T

Gene: CEP290 (centrosomal protein 290; minus strand). Cytogenetic location: 12q21.32.
Variant type: single nucleotide variant.
Coding change: c.1523-1G>T on transcript NM_025114.4 (MANE Select); the canonical splice acceptor site of the intron before coding-DNA position 1523, G replaced by T.
Molecular consequence: splice acceptor variant.
Genome position (GRCh38, 1-based): chr12:88,118,744, C>A on the plus strand (G>T on the coding strand, the complement: CEP290 is on the minus strand). VCF-style: chr12-88118744-C-A. GRCh37 (hg19) VCF-style: chr12-88512521-C-A.
Identifiers: ClinVar variation 530919 (VCV000530919.2), dbSNP rs1192112844, ClinGen allele CA385979532.